The following is an entry in ClinVar:

ClinVar aggregate classification (germline): Benign. Review status: criteria provided, multiple submitters, no conflicts (2 of 4 stars). 8 submissions from 8 submitters: Benign (8). Last evaluated 2026-02-04.

Conditions:
Tumoral calcinosis, hyperphosphatemic, familial, 3. Identifiers: MedGen C4693864, MONDO:0060715, OMIM 617994.

Allele frequency attached by ClinVar (database versions not stated): 1000 Genomes Project 30x 0.94082; TOPMed 0.94140; 1000 Genomes Project 0.94409; gnomAD 0.94529 and 0.94886; ESP Exome Variant Server 0.94747; ExAC 0.98652; gnomAD exomes 0.98805 and 0.99505.
gnomAD v4.1: 1,594,934 of 1,610,264 alleles (99%); highest among the groups gnomAD compares: East Asian, 100%; 790,987 homozygotes.

Submissions (8):

Labcorp Genetics (formerly Invitae), Labcorp
Classification: Benign. Last evaluated: 2026-02-04. Review status: criteria provided, single submitter. Criteria: Invitae Variant Classification Sherloc (09022015). Collection method: clinical testing. Allele origin: germline.

Blueprint Genetics
Classification: Benign. Last evaluated: 2024-11-27. Review status: criteria provided, single submitter. Criteria: ACMG Guidelines, 2015. Collection method: clinical testing. Allele origin: germline.

Mayo Clinic Laboratories, Mayo Clinic
Classification: Benign. Last evaluated: 2022-03-09. Review status: criteria provided, single submitter. Criteria: ACMG Guidelines, 2015. Collection method: clinical testing. Allele origin: germline. Observed: 176 variant alleles.

Genome-Nilou Lab
Classification: Benign for Tumoral calcinosis, hyperphosphatemic, familial, 3. Last evaluated: 2021-08-19. Review status: criteria provided, single submitter. Criteria: ACMG Guidelines, 2015. Collection method: clinical testing. Allele origin: germline. Affected: no.

GeneDx
Classification: Benign. Last evaluated: 2021-05-04. Review status: criteria provided, single submitter. Criteria: GeneDx Variant Classification Process June 2021. Collection method: clinical testing. Allele origin: germline. Affected: yes.

Illumina Laboratory Services, Illumina
Classification: Benign for Tumoral calcinosis, hyperphosphatemic, familial, 3. Last evaluated: 2018-01-13. Review status: criteria provided, single submitter. Criteria: ICSL Variant Classification Criteria 13 December 2019. Collection method: clinical testing. Allele origin: germline.
Comment: This variant was observed in the ICSL laboratory as part of a predisposition screen in an ostensibly healthy population. It had not been previously curated by ICSL or reported in the Human Gene Mutation Database (HGMD: prior to June 1st, 2018), and was therefore a candidate for classification through an automated scoring system. Utilizing variant allele frequency, disease prevalence and penetrance estimates, and inheritance mode, an automated score was calculated to assess if this variant is too frequent to cause the disease. Based on the score and internal cut-off values, a variant classified as benign is not then subjected to further curation. The score for this variant resulted in a classification of benign for this disease.

Eurofins Ntd Llc (ga)
Classification: Benign. Last evaluated: 2016-11-15. Review status: criteria provided, single submitter. Criteria: EGL Classification Definitions 2015. Collection method: clinical testing. Allele origin: germline. Observed: 1 variant allele, 1 homozygote.

Breakthrough Genomics
Classification: Benign. Review status: criteria provided, single submitter. Criteria: ACMG Guidelines, 2015. Collection method: not provided. Allele origin: germline. Inheritance: Autosomal recessive inheritance. Affected: yes.

NM_004795.4(KL):c.273T>C (p.Asp91=)

Gene: KL (klotho; plus strand). Cytogenetic location: 13q13.1.
Variant type: single nucleotide variant.
Coding change: c.273T>C on transcript NM_004795.4 (MANE Select); coding-DNA position 273, T replaced by C.
Protein change: p.Asp91=; no amino-acid change (aspartic acid 91 retained).
Molecular consequence: synonymous variant.
Genome position (GRCh38, 1-based): chr13:33,016,713, T>C. VCF-style: chr13-33016713-T-C. GRCh37 (hg19) VCF-style: chr13-33590851-T-C.
Other names: p.Asp91=.
Identifiers: ClinVar variation 311680 (VCV000311680.22), dbSNP rs2772364, ClinGen allele CA6943850.